The following is an entry in ClinVar:

NM_001046.3(SLC12A2):c.596A>G (p.Tyr199Cys)

Gene: SLC12A2 (solute carrier family 12 member 2; plus strand). Cytogenetic location: 5q23.3.
Variant type: single nucleotide variant.
Coding change: c.596A>G on transcript NM_001046.3 (MANE Select); coding-DNA position 596, A replaced by G.
Protein change: p.Tyr199Cys; replaces tyrosine 199 with cysteine.
Molecular consequence: missense variant. On other transcripts: non-coding transcript variant (1).
Genome position (GRCh38, 1-based): chr5:128,084,550, A>G. VCF-style: chr5-128084550-A-G. GRCh37 (hg19) VCF-style: chr5-127420242-A-G.
Other names: c.596A>G, p.Tyr199Cys (NM_001256461.2); short protein forms Y199C.
Identifiers: ClinVar variation 2065850 (VCV002065850.12), dbSNP rs376862484, ClinGen allele CA3392850.

ClinVar aggregate classification (germline): Uncertain significance. Review status: criteria provided, multiple submitters, no conflicts (2 of 4 stars). 2 submissions from 2 submitters: Uncertain significance (2). Last evaluated 2025-08-01.

Allele frequency attached by ClinVar (database versions not stated): ExAC 0.00002; gnomAD exomes 0.00002; gnomAD 0.00005; ESP Exome Variant Server 0.00008; TOPMed 0.00011.
gnomAD v4.1: 44 of 1,613,552 alleles (0.0027%); highest among the groups gnomAD compares: Admixed American, 0.018%; no homozygotes.

Submissions (2):

CeGaT Center for Human Genetics Tuebingen
Classification: Uncertain significance. Last evaluated: 2025-08-01. Review status: criteria provided, single submitter. Criteria: CeGaT Center For Human Genetics Tuebingen Variant Classification Criteria Version 2. Collection method: clinical testing. Allele origin: germline. Affected: yes. Observed: 1 variant allele.
Comment: SLC12A2: PM2

Labcorp Genetics (formerly Invitae), Labcorp
Classification: Uncertain significance. Last evaluated: 2025-03-20. Review status: criteria provided, single submitter. Criteria: Invitae Variant Classification Sherloc (09022015). Collection method: clinical testing. Allele origin: germline.
Comment: This sequence change replaces tyrosine, which is neutral and polar, with cysteine, which is neutral and slightly polar, at codon 199 of the SLC12A2 protein (p.Tyr199Cys). This variant is present in population databases (rs376862484, gnomAD 0.01%). This missense change has been observed in individual(s) with schizophrenia (PMID: 26955005). ClinVar contains an entry for this variant (Variation ID: 2065850). Invitae Evidence Modeling of protein sequence and biophysical properties (such as structural, functional, and spatial information, amino acid conservation, physicochemical variation, residue mobility, and thermodynamic stability) indicates that this missense variant is not expected to disrupt SLC12A2 protein function with a negative predictive value of 95%. Experimental studies have shown that this missense change affects SLC12A2 function (PMID: 26955005). In summary, the available evidence is currently insufficient to determine the role of this variant in disease. Therefore, it has been classified as a Variant of Uncertain Significance.

Literature cited by the submitters: PubMed 26955005 (cited by Labcorp Genetics (formerly Invitae), Labcorp).